The following is an entry in ClinVar:

ClinVar aggregate classification (germline): Benign. Review status: criteria provided, multiple submitters, no conflicts (2 of 4 stars). 5 submissions from 5 submitters: Benign (4). 1 of the submissions does not count toward it. Last evaluated 2026-01-27.

Conditions:
VPS13D-related disorder. Also called: VPS13D-related condition.

Allele frequency attached by ClinVar (database versions not stated): gnomAD exomes 0.00382 and 0.01002; ExAC 0.01228; gnomAD 0.03744 and 0.04026; TOPMed 0.04194; ESP Exome Variant Server 0.04375; 1000 Genomes Project 0.04433; 1000 Genomes Project 30x 0.04622.
gnomAD v4.1: 11,585 of 1,614,044 alleles (0.72%); highest among the groups gnomAD compares: African/African-American, 13%; 693 homozygotes.

Submissions (5):

Labcorp Genetics (formerly Invitae), Labcorp
Classification: Benign. Last evaluated: 2026-01-27. Review status: criteria provided, single submitter. Criteria: Invitae Variant Classification Sherloc (09022015). Collection method: clinical testing. Allele origin: germline.

Mayo Clinic Laboratories, Mayo Clinic
Classification: Benign. Last evaluated: 2022-03-24. Review status: criteria provided, single submitter. Criteria: ACMG Guidelines, 2015. Collection method: clinical testing. Allele origin: germline. Observed: 27 variant alleles.

GeneDx
Classification: Benign. Last evaluated: 2021-05-05. Review status: criteria provided, single submitter. Criteria: GeneDx Variant Classification Process June 2021. Collection method: clinical testing. Allele origin: germline. Affected: yes.

Breakthrough Genomics
Classification: Benign. Review status: criteria provided, single submitter. Criteria: ACMG Guidelines, 2015. Collection method: not provided. Allele origin: germline. Inheritance: Autosomal recessive inheritance. Affected: yes.

PreventionGenetics, part of Exact Sciences
Classification: Benign for VPS13D-related condition. Last evaluated: 2019-11-25. Review status: no assertion criteria provided. Collection method: clinical testing. Allele origin: germline. Not counted in ClinVar's aggregate classification.
Comment: This variant is classified as benign based on ACMG/AMP sequence variant interpretation guidelines (Richards et al. 2015 PMID: 25741868, with internal and published modifications).

NM_015378.4(VPS13D):c.8340G>A (p.Gln2780=)

Gene: VPS13D (vacuolar protein sorting 13 homolog D; plus strand). Cytogenetic location: 1p36.22.
Variant type: single nucleotide variant.
Coding change: c.8340G>A on transcript NM_015378.4 (MANE Select); coding-DNA position 8340, G replaced by A.
Protein change: p.Gln2780=; no amino-acid change (glutamine 2780 retained).
Molecular consequence: synonymous variant.
Genome position (GRCh38, 1-based): chr1:12,333,278, G>A. VCF-style: chr1-12333278-G-A. GRCh37 (hg19) VCF-style: chr1-12393335-G-A.
Other names: p.Gln2780=; c.8340G>A, p.Gln2780= (NM_018156.4).
Identifiers: ClinVar variation 1278591 (VCV001278591.13), dbSNP rs28465686, ClinGen allele CA603094.
Genomic context (GRCh38, chr1:12,333,278, plus strand): 5'-TCTTTTAGGCTGGGAGCCATTTATTGAGCCTTGGCCATGCTCTGTATCCTGGCAACAGCA[G>A]GCAGCTAGTCGTCTCCATCCTCCTCGACTGAAGCTAGAAGCCAAGGCCAAACCTCGTTTG-3'
Protein context (NP_056193.2, residues 2770-2790): PWPCSVSWQQ[Gln2780=]AASRLHPPRL